The following is an entry in ClinVar:

ClinVar aggregate classification (germline): Uncertain significance (1 of 4 stars; one submission).

Conditions:
Charcot-Marie-Tooth disease type 4. Also called: Charcot-Marie-Tooth, Type 4; Charcot-Marie-Tooth disease, type IV. Identifiers: Orphanet 64749, MedGen C4082197, MONDO:0018995.

Submission:

Labcorp Genetics (formerly Invitae), Labcorp
Classification: Uncertain significance for Charcot-Marie-Tooth disease type 4. Last evaluated: 2021-05-30. Review status: criteria provided, single submitter. Criteria: Invitae Variant Classification Sherloc (09022015). Collection method: clinical testing. Allele origin: germline.
Comment: This variant is not present in population databases (ExAC no frequency). This sequence change replaces leucine with valine at codon 105 of the MTMR2 protein (p.Leu105Val). The leucine residue is moderately conserved and there is a small physicochemical difference between leucine and valine. Algorithms developed to predict the effect of sequence changes on RNA splicing suggest that this variant may create or strengthen a splice site, but this prediction has not been confirmed by published transcriptional studies. In summary, the available evidence is currently insufficient to determine the role of this variant in disease. Therefore, it has been classified as a Variant of Uncertain Significance. Advanced modeling of protein sequence and biophysical properties (such as structural, functional, and spatial information, amino acid conservation, physicochemical variation, residue mobility, and thermodynamic stability) performed at Invitae indicates that this missense variant is expected to disrupt MTMR2 protein function. This variant has not been reported in the literature in individuals with MTMR2-related conditions.

NM_016156.6(MTMR2):c.313C>G (p.Leu105Val)

Gene: MTMR2 (myotubularin related protein 2; minus strand). Cytogenetic location: 11q21.
Variant type: single nucleotide variant.
Coding change: c.313C>G on transcript NM_016156.6 (MANE Select); coding-DNA position 313, C replaced by G.
Protein change: p.Leu105Val; replaces leucine 105 with valine.
Molecular consequence: missense variant.
Genome position (GRCh38, 1-based): chr11:95,862,316, G>C on the plus strand (C>G on the coding strand, the complement: MTMR2 is on the minus strand). VCF-style: chr11-95862316-G-C. GRCh37 (hg19) VCF-style: chr11-95595480-G-C.
Other names: c.97C>G, p.Leu33Val (NM_001243571.2, NM_201278.3, NM_201281.3); short protein forms L33V, L105V.
Identifiers: ClinVar variation 1374449 (VCV001374449.8), dbSNP rs2135475998, ClinGen allele CA382430169.